The following is an entry in ClinVar:

ClinVar aggregate classification (germline): Pathogenic. Review status: criteria provided, multiple submitters, no conflicts (2 of 4 stars). 2 submissions from 2 submitters: Pathogenic (2). Last evaluated 2024-02-01.

Conditions:
Familial cancer of breast. Also called: Hereditary breast cancer; hereditary breast carcinoma; BREAST CANCER, FAMILIAL. Identifiers: Orphanet 227535, MedGen C0346153, MONDO:0016419, OMIM 114480. Disease mechanism: loss of function.
Hereditary cancer-predisposing syndrome. Also called: Hereditary neoplastic syndrome; Neoplastic Syndromes, Hereditary; Tumor predisposition; Hereditary Cancer Syndrome. Identifiers: Orphanet 140162, MedGen C0027672, MeSH D009386, MONDO:0015356.

Submissions (2):

Myriad Genetics, Inc.
Classification: Pathogenic for Familial cancer of breast. Last evaluated: 2024-02-01. Review status: criteria provided, single submitter. Criteria: Myriad Autosomal Dominant, Autosomal Recessive and X-Linked Classification Criteria (2023). Collection method: clinical testing. Allele origin: unknown.
Comment: This variant is considered pathogenic. This variant creates a frameshift predicted to result in premature protein truncation.

Ambry Genetics
Classification: Pathogenic for Hereditary cancer-predisposing syndrome. Last evaluated: 2022-10-06. Review status: criteria provided, single submitter. Criteria: Ambry Variant Classification Scheme 2023. Collection method: clinical testing. Allele origin: germline.
Comment: The c.7943delC pathogenic mutation, located in coding exon 53 of the ATM gene, results from a deletion of one nucleotide at nucleotide position 7943, causing a translational frameshift with a predicted alternate stop codon (p.P2648Qfs*12). This variant is considered to be rare based on population cohorts in the Genome Aggregation Database (gnomAD). This alteration is expected to result in loss of function by premature protein truncation or nonsense-mediated mRNA decay. As such, this alteration is interpreted as a disease-causing mutation.

NM_000051.4(ATM):c.7943del (p.Pro2648fs)

Genes: ATM (ATM serine/threonine kinase; plus strand), C11orf65 (chromosome 11 open reading frame 65; minus strand). Cytogenetic location: 11q22.3.
Variant type: Deletion.
Coding change: c.7943del on transcript NM_000051.4 (MANE Select); coding-DNA position 7943, one base deleted (C; older notation c.7943delC).
Protein change: p.Pro2648fs; shifts the reading frame from proline 2648.
Molecular consequence: frameshift variant. On other transcripts: intron variant (2).
Genome position (GRCh38, 1-based): chr11:108,333,901, C deleted; the last of 2 consecutive C bases (chr11:108,333,900-108,333,901); deleting either gives the same sequence. VCF-style (leftmost placement, unchanged base first): chr11-108333899-TC-T. GRCh37 (hg19) VCF-style: chr11-108204626-TC-T.
Other names: c.7943del, p.Pro2648fs (NM_001351834.2); c.641-24829del (NM_001330368.2); c.*38+1320del (NM_001351110.2); short protein forms P2648fs.
Identifiers: ClinVar variation 1761331 (VCV001761331.2), dbSNP rs2547313126, ClinGen allele CA2580082986.